The following is an entry in ClinVar:

NM_021067.5(GINS1):c.353A>G (p.Lys118Arg)

Gene: GINS1 (GINS complex subunit 1; plus strand). Cytogenetic location: 20p11.21.
Variant type: single nucleotide variant.
Coding change: c.353A>G on transcript NM_021067.5 (MANE Select); coding-DNA position 353, A replaced by G.
Protein change: p.Lys118Arg; replaces lysine 118 with arginine.
Molecular consequence: missense variant. On other transcripts: non-coding transcript variant (1).
Genome position (GRCh38, 1-based): chr20:25,425,233, A>G. VCF-style: chr20-25425233-A-G. GRCh37 (hg19) VCF-style: chr20-25405869-A-G.
Other names: c.98A>G, p.Lys33Arg (NM_001410831.1); short protein forms K118R, K33R.
Identifiers: ClinVar variation 2110270 (VCV002110270.4), dbSNP rs771692957, ClinGen allele CA9796535.

ClinVar aggregate classification (germline): Uncertain significance (1 of 4 stars; one submission).

Allele frequency attached by ClinVar (database versions not stated): gnomAD exomes below 0.00001; ExAC 0.00001; gnomAD 0.00001.

Submission:

Labcorp Genetics (formerly Invitae), Labcorp
Classification: Uncertain significance. Last evaluated: 2022-10-05. Review status: criteria provided, single submitter. Criteria: Invitae Variant Classification Sherloc (09022015). Collection method: clinical testing. Allele origin: germline.
Comment: In summary, the available evidence is currently insufficient to determine the role of this variant in disease. Therefore, it has been classified as a Variant of Uncertain Significance. Algorithms developed to predict the effect of missense changes on protein structure and function are either unavailable or do not agree on the potential impact of this missense change (SIFT: "Not Available"; PolyPhen-2: "Possibly Damaging"; Align-GVGD: "Not Available"). This sequence change replaces lysine, which is basic and polar, with arginine, which is basic and polar, at codon 118 of the GINS1 protein (p.Lys118Arg). This variant is not present in population databases (gnomAD no frequency). This variant has not been reported in the literature in individuals affected with GINS1-related conditions.